The following is an entry in ClinVar:

NM_014920.5(CILK1):c.74A>C (p.Glu25Ala)

Gene: CILK1 (ciliogenesis associated kinase 1; minus strand). Cytogenetic location: 6p12.1.
Variant type: single nucleotide variant.
Coding change: c.74A>C on transcript NM_014920.5 (MANE Select); coding-DNA position 74, A replaced by C.
Protein change: p.Glu25Ala; replaces glutamic acid 25 with alanine.
Molecular consequence: missense variant. On other transcripts: non-coding transcript variant (1).
Genome position (GRCh38, 1-based): chr6:53,041,163, T>G on the plus strand (A>C on the coding strand, the complement: CILK1 is on the minus strand). VCF-style: chr6-53041163-T-G. GRCh37 (hg19) VCF-style: chr6-52905961-T-G.
Other names: c.74A>C, p.Glu25Ala (NM_001375397.1, NM_001375398.1, NM_001375399.1 and 4 more transcripts); short protein forms E25A.
Identifiers: ClinVar variation 2002364 (VCV002002364.4), dbSNP rs1443066662, ClinGen allele CA364467533.
Genomic context (GRCh38, chr6:53,041,163, plus strand): 5'-AAAATTATCATGGCAGTGAAGGATCAAACTTACTTTTTAATAGCGATCAGCTCCCCAGAC[T>G]CAATGCTTCTTCCCAGCAGGACGGAACCGTAGGTTCCATCCCCGAGCTGCCTGATTGTTG-3'
Protein context (NP_055735.1, residues 15-35): YGSVLLGRSI[Glu25Ala]SGELIAIKKM

ClinVar aggregate classification (germline): Uncertain significance (1 of 4 stars; one submission).

Allele frequency attached by ClinVar (database versions not stated): gnomAD exomes below 0.00001.
gnomAD v4.1: 2 of 1,613,588 alleles (0.00012%); highest among the groups gnomAD compares: Admixed American, 0.0033%; no homozygotes.

Submission:

Labcorp Genetics (formerly Invitae), Labcorp
Classification: Uncertain significance. Last evaluated: 2023-07-10. Review status: criteria provided, single submitter. Criteria: Invitae Variant Classification Sherloc (09022015). Collection method: clinical testing. Allele origin: germline.
Comment: In summary, the available evidence is currently insufficient to determine the role of this variant in disease. Therefore, it has been classified as a Variant of Uncertain Significance. Advanced modeling of protein sequence and biophysical properties (such as structural, functional, and spatial information, amino acid conservation, physicochemical variation, residue mobility, and thermodynamic stability) performed at Invitae indicates that this missense variant is not expected to disrupt ICK protein function. ClinVar contains an entry for this variant (Variation ID: 2002364). This variant has not been reported in the literature in individuals affected with ICK-related conditions. This variant is present in population databases (no rsID available, gnomAD 0.006%). This sequence change replaces glutamic acid, which is acidic and polar, with alanine, which is neutral and non-polar, at codon 25 of the ICK protein (p.Glu25Ala).